The following is an entry in ClinVar:

ClinVar aggregate classification (germline): Benign (0 of 4 stars; one submission).

Conditions:
PRORP-related disorder. Also called: PRORP-related condition.

Allele frequency attached by ClinVar (database versions not stated): 1000 Genomes Project 0.09744; 1000 Genomes Project 30x 0.09822; gnomAD 0.12407; TOPMed 0.12697; ESP Exome Variant Server 0.13179; ExAC 0.13538; gnomAD exomes 0.15510.
gnomAD v4.1: 245,934 of 1,613,910 alleles (15%); highest among the groups gnomAD compares: Middle Eastern, 22%; 20,024 homozygotes.

Submission:

PreventionGenetics, part of Exact Sciences
Classification: Benign for PRORP-related condition. Last evaluated: 2019-10-22. Review status: no assertion criteria provided. Collection method: clinical testing. Allele origin: germline.
Comment: This variant is classified as benign based on ACMG/AMP sequence variant interpretation guidelines (Richards et al. 2015 PMID: 25741868, with internal and published modifications).

NM_014672.4(PRORP):c.1310A>G (p.Asn437Ser)

Genes: PRORP (protein only RNase P catalytic subunit; plus strand), PRORP-PSMA6 (PRORP-PSMA6 readthrough; plus strand). Cytogenetic location: 14q13.2.
Variant type: single nucleotide variant.
Coding change: c.1310A>G on transcript NM_014672.4 (MANE Select); coding-DNA position 1310, A replaced by G.
Protein change: p.Asn437Ser; replaces asparagine 437 with serine.
Molecular consequence: missense variant. On other transcripts: non-coding transcript variant (4).
Genome position (GRCh38, 1-based): chr14:35,266,761, A>G. VCF-style: chr14-35266761-A-G. GRCh37 (hg19) VCF-style: chr14-35735967-A-G.
Other names: c.1262A>G, p.Asn421Ser (NM_001256678.2); c.1025A>G, p.Asn342Ser (NM_001256679.2); c.194A>G, p.Asn65Ser (NM_001256680.2, NM_001256681.2); c.1310A>G, p.Asn437Ser (NM_001414503.1); short protein forms N342S, N421S, N437S, N65S.
Identifiers: ClinVar variation 3060555 (VCV003060555.2), dbSNP rs11156878, ClinGen allele CA7154901.
Genomic context (GRCh38, chr14:35,266,761, plus strand): 5'-TGTGGTTCTGGCTTTGTGTTTTTTAGCTCTTGAATGTCGTCTCTCAACTAGCCAAACGGA[A>G]TCTGCGACTGCTGGTCCTAGGCCGGAAGCACATGCTAAGACGGAGTTCCCAGTGGAGTCG-3'
Protein context (NP_055487.2, residues 427-447): LNVVSQLAKR[Asn437Ser]LRLLVLGRKH